The following is an entry in ClinVar:

NM_001851.6(COL9A1):c.2453T>A (p.Leu818His)

Gene: COL9A1 (collagen type IX alpha 1 chain; minus strand). Cytogenetic location: 6q13.
Variant type: single nucleotide variant.
Coding change: c.2453T>A on transcript NM_001851.6 (MANE Select); coding-DNA position 2453, T replaced by A.
Protein change: p.Leu818His; replaces leucine 818 with histidine.
Molecular consequence: missense variant. On other transcripts: non-coding transcript variant (1).
Genome position (GRCh38, 1-based): chr6:70,232,633, A>T on the plus strand (T>A on the coding strand, the complement: COL9A1 is on the minus strand). VCF-style: chr6-70232633-A-T. GRCh37 (hg19) VCF-style: chr6-70942336-A-T.
Other names: c.1754T>A, p.Leu585His (NM_001377289.1); c.1577T>A, p.Leu526His (NM_001377290.1); c.1724T>A, p.Leu575His (NM_078485.4); short protein forms L585H, L818H, L526H, L575H.
Identifiers: ClinVar variation 1369580 (VCV001369580.5), dbSNP rs1438856749, ClinGen allele CA364671747.
Genomic context (GRCh38, chr6:70,232,633, plus strand): 5'-GATGACTTACCTTTAGGTCCCCTCAAACCAAGAGCACCAGGGGGCCCCTTAATGCCCGGA[A>T]GGCCACGAATTCCCATCTGGCCTGGGAAACCATTCTCTCCAGGAGGGCCGGGGGGACCAG-3'
Protein context (NP_001842.3, residues 808-828): GFPGQMGIRG[Leu818His]PGIKGPPGAL

ClinVar aggregate classification (germline): Uncertain significance (1 of 4 stars; one submission).

gnomAD v4.1: 2 of 1,614,118 alleles (0.00012%); highest among the groups gnomAD compares: Non-Finnish European, 0.00017%; no homozygotes.

Submission:

Labcorp Genetics (formerly Invitae), Labcorp
Classification: Uncertain significance. Last evaluated: 2022-09-07. Review status: criteria provided, single submitter. Criteria: Invitae Variant Classification Sherloc (09022015). Collection method: clinical testing. Allele origin: germline.
Comment: In summary, the available evidence is currently insufficient to determine the role of this variant in disease. Therefore, it has been classified as a Variant of Uncertain Significance. Advanced modeling of protein sequence and biophysical properties (such as structural, functional, and spatial information, amino acid conservation, physicochemical variation, residue mobility, and thermodynamic stability) performed at Invitae indicates that this missense variant is not expected to disrupt COL9A1 protein function. ClinVar contains an entry for this variant (Variation ID: 1369580). This variant has not been reported in the literature in individuals affected with COL9A1-related conditions. This variant is not present in population databases (gnomAD no frequency). This sequence change replaces leucine, which is neutral and non-polar, with histidine, which is basic and polar, at codon 818 of the COL9A1 protein (p.Leu818His).